The following is an entry in ClinVar:

NM_001114753.3(ENG):c.1151T>C (p.Ile384Thr)

Genes: ENG (endoglin; minus strand), LOC102723566 (uncharacterized LOC102723566; plus strand). Cytogenetic location: 9q34.11.
Variant type: single nucleotide variant.
Coding change: c.1151T>C on transcript NM_001114753.3 (MANE Select); coding-DNA position 1151, T replaced by C.
Protein change: p.Ile384Thr; replaces isoleucine 384 with threonine.
Molecular consequence: missense variant.
Genome position (GRCh38, 1-based): chr9:127,820,021, A>G on the plus strand (T>C on the coding strand, the complement: ENG is on the minus strand). VCF-style: chr9-127820021-A-G. GRCh37 (hg19) VCF-style: chr9-130582300-A-G.
Other names: c.1151T>C, p.Ile384Thr (NM_000118.4); c.605T>C, p.Ile202Thr (NM_001278138.2); short protein forms I202T, I384T.
Identifiers: ClinVar variation 1310297 (VCV001310297.8), dbSNP rs2131879350, ClinGen allele CA374978831.
Genomic context (GRCh38, chr9:127,820,021, plus strand): 5'-ACAAACTTGTCACCCCTGTCCTCTGCCTCACAGCTGGGGTCCCAGAAGGTCAGGCCCGTG[A>G]TGGTGCACTTCAAATGCTGGGTCGGAAGAGAGGGGCACCATCAGGAGGCACTGGGGTCTC-3'
Protein context (NP_001108225.1, residues 374-394): KELVAHLKCT[Ile384Thr]TGLTFWDPSC

ClinVar aggregate classification (germline): Conflicting classifications of pathogenicity. Review status: criteria provided, conflicting classifications (1 of 4 stars). 2 submissions from 2 submitters: Likely pathogenic (1); Uncertain significance (1). Last evaluated 2023-10-22.

Conditions:
Hereditary hemorrhagic telangiectasia (HHT). Also called: ORW DISEASE; Osler Weber Rendu syndrome; OSLER-RENDU-WEBER DISEASE; Osler hemorrhagic telangiectasia syndrome. Identifiers: Orphanet 774, MedGen C0039445, MONDO:0019180. Disease mechanism: loss of function.

Submissions (2):

Labcorp Genetics (formerly Invitae), Labcorp
Classification: Likely pathogenic for Hereditary hemorrhagic telangiectasia. Last evaluated: 2023-10-22. Review status: criteria provided, single submitter. Criteria: Invitae Variant Classification Sherloc (09022015). Collection method: clinical testing. Allele origin: germline.
Comment: This sequence change replaces isoleucine, which is neutral and non-polar, with threonine, which is neutral and polar, at codon 384 of the ENG protein (p.Ile384Thr). This variant is not present in population databases (gnomAD no frequency). This missense change has been observed in individual(s) with hereditary hemorrhagic telangiectasia (PMID: 25312062; Invitae). ClinVar contains an entry for this variant (Variation ID: 1310297). Advanced modeling of protein sequence and biophysical properties (such as structural, functional, and spatial information, amino acid conservation, physicochemical variation, residue mobility, and thermodynamic stability) has been performed at Invitae for this missense variant, however the output from this modeling did not meet the statistical confidence thresholds required to predict the impact of this variant on ENG protein function. Experimental studies have shown that this missense change affects ENG function (PMID: 25312062). In summary, the currently available evidence indicates that the variant is pathogenic, but additional data are needed to prove that conclusively. Therefore, this variant has been classified as Likely Pathogenic.

GeneDx
Classification: Uncertain significance. Last evaluated: 2021-04-16. Review status: criteria provided, single submitter. Criteria: GeneDx Variant Classification Process June 2021. Collection method: clinical testing. Allele origin: germline. Affected: yes.
Comment: Reported to segregate with pulmonary arteriovenous malformations in several members from one family (Mallet et al., 2015); however, specific clinical information was not provided; Not observed in large population cohorts (Lek et al., 2016); In silico analysis supports that this missense variant does not alter protein structure/function; Published functional studies suggest a damaging effect on protein trafficking (Mallet et al., 2015); This variant is associated with the following publications: (PMID: 25312062)

Literature cited by the submitters: PubMed 25312062 (cited by Labcorp Genetics (formerly Invitae), Labcorp).